The following is an entry in ClinVar:

NM_004947.5(DOCK3):c.606C>T (p.Arg202=)

Gene: DOCK3 (dedicator of cytokinesis 3; plus strand). Cytogenetic location: 3p21.2.
Variant type: single nucleotide variant.
Coding change: c.606C>T on transcript NM_004947.5 (MANE Select); coding-DNA position 606, C replaced by T.
Protein change: p.Arg202=; no amino-acid change (arginine 202 retained).
Molecular consequence: synonymous variant.
Genome position (GRCh38, 1-based): chr3:51,090,244, C>T. VCF-style: chr3-51090244-C-T. GRCh37 (hg19) VCF-style: chr3-51127675-C-T.
Identifiers: ClinVar variation 4822505 (VCV004822505.4).

ClinVar aggregate classification (germline): Likely benign (1 of 4 stars; one submission).

gnomAD v4.1: 4 of 1,589,640 alleles (0.00025%); highest among the groups gnomAD compares: Non-Finnish European, 0.00034%; no homozygotes.

Submission:

CeGaT Center for Human Genetics Tuebingen
Classification: Likely benign. Last evaluated: 2026-01-01. Review status: criteria provided, single submitter. Criteria: CeGaT Center For Human Genetics Tuebingen Variant Classification Criteria Version 2. Collection method: clinical testing. Allele origin: germline. Affected: yes. Observed: 1 variant allele.
Comment: DOCK3: BP4, BP7